The following is an entry in ClinVar:

NM_004146.6(NDUFB7):c.278G>A (p.Arg93His)

Gene: NDUFB7 (NADH:ubiquinone oxidoreductase subunit B7; minus strand). Cytogenetic location: 19p13.12.
Variant type: single nucleotide variant.
Coding change: c.278G>A on transcript NM_004146.6 (MANE Select); coding-DNA position 278, G replaced by A.
Protein change: p.Arg93His; replaces arginine 93 with histidine.
Molecular consequence: missense variant.
Genome position (GRCh38, 1-based): chr19:14,566,768, C>T on the plus strand (G>A on the coding strand, the complement: NDUFB7 is on the minus strand). VCF-style: chr19-14566768-C-T. GRCh37 (hg19) VCF-style: chr19-14677580-C-T.
Other names: short protein forms R93H.
Identifiers: ClinVar variation 4872654 (VCV004872654.2).

ClinVar aggregate classification (germline): Likely benign (1 of 4 stars; one submission).

gnomAD v4.1: 757 of 1,543,100 alleles (0.049%); highest among the groups gnomAD compares: Admixed American, 1.4%; 5 homozygotes.

Submission:

CeGaT Center for Human Genetics Tuebingen
Classification: Likely benign. Last evaluated: 2026-09-01. Review status: criteria provided, single submitter. Criteria: CeGaT Center For Human Genetics Tuebingen Variant Classification Criteria Version 2. Collection method: clinical testing. Allele origin: germline. Affected: yes. Observed: 2 variant alleles.
Comment: NDUFB7: BP4, BS1